The following is an entry in ClinVar:

NM_015076.5(CDK19):c.364C>A (p.Gln122Lys)

Gene: CDK19 (cyclin dependent kinase 19; minus strand). Cytogenetic location: 6q21.
Variant type: single nucleotide variant.
Coding change: c.364C>A on transcript NM_015076.5 (MANE Select); coding-DNA position 364, C replaced by A.
Protein change: p.Gln122Lys; replaces glutamine 122 with lysine.
Molecular consequence: missense variant.
Genome position (GRCh38, 1-based): chr6:110,667,526, G>T on the plus strand (C>A on the coding strand, the complement: CDK19 is on the minus strand). VCF-style: chr6-110667526-G-T. GRCh37 (hg19) VCF-style: chr6-110988729-G-T.
Other names: c.364C>A, p.Gln122Lys (NM_001300960.2); c.184C>A, p.Gln62Lys (NM_001300963.2, NM_001300964.2); short protein forms Q122K, Q62K.
Identifiers: ClinVar variation 3368472 (VCV003368472.1).

ClinVar aggregate classification (germline): Uncertain significance (1 of 4 stars; one submission).

Submission:

GeneDx
Classification: Uncertain significance. Last evaluated: 2024-02-02. Review status: criteria provided, single submitter. Criteria: GeneDx Variant Classification Process June 2021. Collection method: clinical testing. Allele origin: germline. Affected: yes.
Comment: Not observed at significant frequency in large population cohorts (gnomAD); In silico analysis supports that this missense variant does not alter protein structure/function; Has not been previously published as pathogenic or benign to our knowledge